The following is an entry in ClinVar:

ClinVar aggregate classification (germline): Conflicting classifications of pathogenicity. Review status: criteria provided, conflicting classifications (1 of 4 stars). 4 submissions from 4 submitters: Uncertain significance (3); Likely benign (1). Last evaluated 2026-01-05.

Conditions:
Hereditary cancer-predisposing syndrome. Also called: Neoplastic Syndromes, Hereditary; Tumor predisposition; Hereditary Cancer Syndrome; Hereditary neoplastic syndrome. Identifiers: Orphanet 140162, MedGen C0027672, MeSH D009386, MONDO:0015356.
Hereditary breast ovarian cancer syndrome. Also called: Hereditary breast and ovarian cancer syndrome; Hereditary breast and ovarian cancer; Hereditary breast and ovarian cancer syndrome (HBOC); Breast and ovarian cancer; Hereditary breast and/or ovarian cancer syndrome; BRCA1- and BRCA2-Associated Hereditary Breast and Ovarian Cancer. Identifiers: Orphanet 145, MedGen C0677776, MeSH D061325, MONDO:0003582. Disease mechanism: loss of function.

Submissions (4):

Labcorp Genetics (formerly Invitae), Labcorp
Classification: Uncertain significance for Hereditary breast ovarian cancer syndrome. Last evaluated: 2026-01-05. Review status: criteria provided, single submitter. Criteria: Invitae Variant Classification Sherloc (09022015). Collection method: clinical testing. Allele origin: germline.
Comment: This sequence change replaces histidine, which is basic and polar, with tyrosine, which is neutral and polar, at codon 1488 of the BRCA2 protein (p.His1488Tyr). This variant is not present in population databases (gnomAD no frequency). This variant has not been reported in the literature in individuals affected with BRCA2-related conditions. ClinVar contains an entry for this variant (Variation ID: 481509). Invitae Evidence Modeling of protein sequence and biophysical properties (such as structural, functional, and spatial information, amino acid conservation, physicochemical variation, residue mobility, and thermodynamic stability) indicates that this missense variant is not expected to disrupt BRCA2 protein function with a negative predictive value of 95%. In summary, the available evidence is currently insufficient to determine the role of this variant in disease. Therefore, it has been classified as a Variant of Uncertain Significance.

Color Diagnostics, LLC DBA Color Health
Classification: Uncertain significance for Hereditary cancer-predisposing syndrome. Last evaluated: 2025-08-19. Review status: criteria provided, single submitter. Criteria: ACMG Guidelines, 2015. Collection method: clinical testing. Allele origin: germline.
Comment: This missense variant replaces histidine with tyrosine at codon 1488 of the BRCA2 protein. Computational prediction suggests that this variant may not impact protein structure and function. To our knowledge, functional studies have not been reported for this variant. A multifactorial analysis has reached a combined likelihood ratio (LR) of 0.871 based on reported LR for co-occurrence with a pathogenic variant and personal and family history for 1 carrier (PMID: 31853058). This variant has not been identified in the general population by the Genome Aggregation Database (gnomAD). The available evidence is insufficient to determine the role of this variant in disease conclusively. Therefore, this variant is classified as a Variant of Uncertain Significance.

Ambry Genetics
Classification: Uncertain significance for Hereditary cancer-predisposing syndrome. Last evaluated: 2023-04-03. Review status: criteria provided, single submitter. Criteria: Ambry Variant Classification Scheme 2023. Collection method: clinical testing. Allele origin: germline.
Comment: The p.H1488Y variant (also known as c.4462C>T), located in coding exon 10 of the BRCA2 gene, results from a C to T substitution at nucleotide position 4462. The histidine at codon 1488 is replaced by tyrosine, an amino acid with similar properties. This amino acid position is poorly conserved in available vertebrate species. In addition, this alteration is predicted to be tolerated by in silico analysis. Since supporting evidence is limited at this time, the clinical significance of this alteration remains unclear.

University of Washington Department of Laboratory Medicine, University of Washington
Classification: Likely benign for Hereditary cancer-predisposing syndrome. Last evaluated: 2023-03-23. Review status: criteria provided, single submitter. Criteria: Dines et al. (Genet Med. 2020). Collection method: curation. Allele origin: germline.
Comment: Missense variant in a coldspot region where missense variants are very unlikely to be pathogenic (PMID:31911673).

BRCA2 exon 11 coldspot. Reclassification based on statistical prior probability.

Literature cited by the submitters: PubMed 31853058 (cited by Color Diagnostics, LLC DBA Color Health).

NM_000059.4(BRCA2):c.4462C>T (p.His1488Tyr)

Gene: BRCA2 (BRCA2 DNA repair associated; plus strand). Cytogenetic location: 13q13.1.
Variant type: single nucleotide variant.
Coding change: c.4462C>T on transcript NM_000059.4 (MANE Select); coding-DNA position 4462, C replaced by T.
Protein change: p.His1488Tyr; replaces histidine 1488 with tyrosine.
Molecular consequence: missense variant.
Genome position (GRCh38, 1-based): chr13:32,338,817, C>T. VCF-style: chr13-32338817-C-T. GRCh37 (hg19) VCF-style: chr13-32912954-C-T.
Other names: short protein forms H1488Y.
Identifiers: ClinVar variation 481509 (VCV000481509.17), dbSNP rs1555283795, ClinGen allele CA387781418.